The following is an entry in ClinVar:

NM_001999.4(FBN2):c.1093A>G (p.Met365Val)

Gene: FBN2 (fibrillin 2; minus strand). Cytogenetic location: 5q23.3.
Variant type: single nucleotide variant.
Coding change: c.1093A>G on transcript NM_001999.4 (MANE Select); coding-DNA position 1093, A replaced by G.
Protein change: p.Met365Val; replaces methionine 365 with valine.
Molecular consequence: missense variant.
Genome position (GRCh38, 1-based): chr5:128,395,260, T>C on the plus strand (A>G on the coding strand, the complement: FBN2 is on the minus strand). VCF-style: chr5-128395260-T-C. GRCh37 (hg19) VCF-style: chr5-127730953-T-C.
Other names: short protein forms M365V.
Identifiers: ClinVar variation 970567 (VCV000970567.20), dbSNP rs1401325502, ClinGen allele CA360751034.
Genomic context (GRCh38, chr5:128,395,260, plus strand): 5'-TCGTCATTCTCCCCGGGAGCTCTTGTGCACAGCGGCCATTCACCAGGCCCGAGAAACACA[T>C]GCCTGTTCTCTGATCTGTGCATGTATAAATAAGACAGAAGATATGGCAGAATTACCTCAG-3'
Protein context (NP_001990.2, residues 355-375): GSRCIDQRTG[Met365Val]CFSGLVNGRC

ClinVar aggregate classification (germline): Conflicting classifications of pathogenicity. Review status: criteria provided, conflicting classifications (1 of 4 stars). 2 submissions from 2 submitters: Uncertain significance (1); Likely benign (1). Last evaluated 2025-09-01.

Conditions:
Congenital contractural arachnodactyly (CCA). Also called: Beals-Hecht syndrome; Arthrogryposis, distal, type 9; BEALS SYNDROME. Identifiers: Orphanet 115, MedGen C0220668, MONDO:0007363, OMIM 121050.

Allele frequency attached by ClinVar (database versions not stated): TOPMed 0.00001; gnomAD exomes 0.00002.
gnomAD v4.1: 12 of 1,614,152 alleles (0.00074%); highest among the groups gnomAD compares: Non-Finnish European, 0.001%; no homozygotes.

Submissions (2):

CeGaT Center for Human Genetics Tuebingen
Classification: Likely benign. Last evaluated: 2025-09-01. Review status: criteria provided, single submitter. Criteria: CeGaT Center For Human Genetics Tuebingen Variant Classification Criteria Version 2. Collection method: clinical testing. Allele origin: germline. Affected: yes. Observed: 2 variant alleles.
Comment: FBN2: BP4

Labcorp Genetics (formerly Invitae), Labcorp
Classification: Uncertain significance for Congenital contractural arachnodactyly. Last evaluated: 2024-07-01. Review status: criteria provided, single submitter. Criteria: Invitae Variant Classification Sherloc (09022015). Collection method: clinical testing. Allele origin: germline.
Comment: This sequence change replaces methionine, which is neutral and non-polar, with valine, which is neutral and non-polar, at codon 365 of the FBN2 protein (p.Met365Val). This variant is present in population databases (no rsID available, gnomAD 0.003%). This missense change has been observed in individual(s) with clinical features of FBN2-related conditions (PMID: 30675029). ClinVar contains an entry for this variant (Variation ID: 970567). Advanced modeling of protein sequence and biophysical properties (such as structural, functional, and spatial information, amino acid conservation, physicochemical variation, residue mobility, and thermodynamic stability) performed at Invitae indicates that this missense variant is not expected to disrupt FBN2 protein function with a negative predictive value of 80%. In summary, the available evidence is currently insufficient to determine the role of this variant in disease. Therefore, it has been classified as a Variant of Uncertain Significance.

Literature cited by the submitters: PubMed 30675029 (cited by Labcorp Genetics (formerly Invitae), Labcorp).